The following is an entry in ClinVar:

NM_000038.6(APC):c.422+1del

Gene: APC (APC regulator of Wnt signaling pathway; plus strand). Cytogenetic location: 5q22.2.
Variant type: Deletion.
Coding change: c.422+1del on transcript NM_000038.6 (MANE Select); the canonical splice donor site of the intron after coding-DNA position 422, one base deleted (G; older notation c.422+1delG).
Molecular consequence: splice donor variant.
Genome position (GRCh38, 1-based): chr5:112,767,391, G deleted; the last of 2 consecutive G bases (chr5:112,767,390-112,767,391); deleting either gives the same sequence. VCF-style (leftmost placement, unchanged base first): chr5-112767389-AG-A. GRCh37 (hg19) VCF-style: chr5-112103086-AG-A.
Other names: c.-614+1del (NM_001407470.1, NM_001407472.1, NM_001354906.2 and 1 more transcripts); c.422+1del (NM_001407447.1, NM_001354895.2, NM_001407456.1 and 16 more transcripts); c.452+1del (NM_001407446.1, NM_001354897.2, NM_001354902.2 and 1 more transcripts); c.245+1del (NM_001407453.1, NM_001354900.2, NM_001354901.2 and 1 more transcripts); c.347+1del (NM_001407451.1, NM_001354898.2, NM_001354904.2).
Identifiers: ClinVar variation 2584251 (VCV002584251.2), dbSNP rs2532303379, ClinGen allele CA2582341311.

ClinVar aggregate classification (germline): Likely pathogenic (1 of 4 stars; one submission).

Conditions:
Familial adenomatous polyposis 1 (FAP1). Also called: FAMILIAL ADENOMATOUS POLYPOSIS 1, ATTENUATED; POLYPOSIS, ADENOMATOUS INTESTINAL. Identifiers: MedGen C2713442, MONDO:0021056, OMIM 175100. Disease mechanism: loss of function.

Submission:

Myriad Genetics, Inc.
Classification: Likely pathogenic for Familial adenomatous polyposis 1. Last evaluated: 2023-04-25. Review status: criteria provided, single submitter. Criteria: Myriad Autosomal Dominant, Autosomal Recessive and X-Linked Classification Criteria (2023). Collection method: clinical testing. Allele origin: unknown.
Comment: This variant is considered likely pathogenic. This variant occurs within a consensus splice junction and is predicted to result in abnormal mRNA splicing of either an out-of-frame exon or an in-frame exon necessary for protein stability and/or normal function.